The following is an entry in ClinVar:

NM_006715.4(MAN2C1):c.346G>A (p.Val116Ile)

Gene: MAN2C1 (mannosidase alpha class 2C member 1; minus strand). Cytogenetic location: 15q24.2.
Variant type: single nucleotide variant.
Coding change: c.346G>A on transcript NM_006715.4 (MANE Select); coding-DNA position 346, G replaced by A.
Protein change: p.Val116Ile; replaces valine 116 with isoleucine.
Molecular consequence: missense variant.
Genome position (GRCh38, 1-based): chr15:75,367,516, C>T on the plus strand (G>A on the coding strand, the complement: MAN2C1 is on the minus strand). VCF-style: chr15-75367516-C-T. GRCh37 (hg19) VCF-style: chr15-75659857-C-T.
Other names: c.346G>A (NM_001256494.1); c.346G>A, p.Val116Ile (NM_001256494.2, NM_001256495.2, NM_001256496.2); short protein forms V116I.
Identifiers: ClinVar variation 3362290 (VCV003362290.4).
Genomic context (GRCh38, chr15:75,367,516, plus strand): 5'-AGTCATTTCAGGGCTGAAATGTGGCCATACCTGGCCCTAGGACAGGGTTCCTCACCTGGA[C>T]AGGTTCTCCATCACGCCACACCAGACCTTCTCCATCACTTTCCCAGCAAAGGTGAACTTC-3'
Protein context (NP_006706.2, residues 106-126): EGLVWRDGEP[Val116Ile]QGLTKEGEKT

ClinVar aggregate classification (germline): Uncertain significance. Review status: criteria provided, multiple submitters, no conflicts (2 of 4 stars). 2 submissions from 2 submitters: Uncertain significance (2). Last evaluated 2024-07-09.

Conditions:
Congenital disorder of deglycosylation 2 (CDDG2). Identifiers: MedGen C5676931, MONDO:0030770, OMIM 619775.

gnomAD v4.1: 12 of 1,613,930 alleles (0.00074%); highest among the groups gnomAD compares: South Asian, 0.0088%; no homozygotes.

Submissions (2):

Revvity Omics, Revvity
Classification: Uncertain significance for Congenital disorder of deglycosylation 2. Last evaluated: 2024-07-09. Review status: criteria provided, single submitter. Criteria: ACMG Guidelines, 2015. Collection method: clinical testing. Allele origin: germline.

Neuberg Centre For Genomic Medicine, NCGM
Classification: Uncertain significance for Congenital disorder of deglycosylation 2. Last evaluated: 2023-06-02. Review status: criteria provided, single submitter. Criteria: ACMG Guidelines, 2015. Collection method: clinical testing. Allele origin: germline. Inheritance: Autosomal recessive inheritance. Affected: yes.
Comment: The observed missense variant c.346G>A(p.Val116Ile) in the MAN2C1 gene has not been reported previously as a pathogenic variant nor as a benign variant, to our knowledge. This variant is reported with the allele frequency 0.001% in the gnomAD Exomes. The amino acid Valine at position 116 is changed to a Ileucine changing protein sequence and it might alter its composition and physico-chemical properties. Computational evidence (Polyphen - Benign, SIFT - Tolerated and MutationTaster - Disease causing) predicts conflicting evidence on protein structure and function for this variant The residue is conserved by GERP++ and PhyloP across 100 vertebrates. For these reasons, this variant has been classified as Uncertain Significance.